The following is an entry in ClinVar:

NM_032802.4(SPPL2A):c.830+93A>G

Gene: SPPL2A (signal peptide peptidase like 2A; minus strand). Cytogenetic location: 15q21.2.
Variant type: single nucleotide variant.
Coding change: c.830+93A>G on transcript NM_032802.4 (MANE Select); 93 bases into the intron after coding-DNA position 830, A replaced by G.
Molecular consequence: intron variant.
Genome position (GRCh38, 1-based): chr15:50,736,551, T>C on the plus strand (A>G on the coding strand, the complement: SPPL2A is on the minus strand). VCF-style: chr15-50736551-T-C. GRCh37 (hg19) VCF-style: chr15-51028748-T-C.
Identifiers: ClinVar variation 2688261 (VCV002688261.2), dbSNP rs12903915, ClinGen allele CA15849969.

ClinVar aggregate classification (germline): Benign (1 of 4 stars; one submission).

Allele frequency attached by ClinVar (database versions not stated): TOPMed 0.29032; gnomAD 0.29984; 1000 Genomes Project 30x 0.31855; 1000 Genomes Project 0.32867.
gnomAD v4.1: 229,654 of 678,690 alleles (34%); highest among the groups gnomAD compares: East Asian, 55%; 40,860 homozygotes.

Submission:

Unidad de Genómica Garrahan, Hospital de Pediatría Garrahan
Classification: Benign. Last evaluated: 2024-01-24. Review status: criteria provided, single submitter. Criteria: ACMG Guidelines, 2015. Collection method: clinical testing. Allele origin: germline. Affected: no. Observed: 27 variant alleles.
Comment: This variant is classified as Benign based on local population frequency. This variant was detected in 28% of patients studied by a panel of primary immunodeficiencies. Number of patients: 27. Only high quality variants are reported.